The following is an entry in ClinVar:

NM_032043.3(BRIP1):c.2322C>G (p.Asp774Glu)

Gene: BRIP1 (BRCA1 interacting DNA helicase 1; minus strand). Cytogenetic location: 17q23.2.
Variant type: single nucleotide variant.
Coding change: c.2322C>G on transcript NM_032043.3 (MANE Select); coding-DNA position 2322, C replaced by G.
Protein change: p.Asp774Glu; replaces aspartic acid 774 with glutamic acid.
Molecular consequence: missense variant.
Genome position (GRCh38, 1-based): chr17:61,743,070, G>C on the plus strand (C>G on the coding strand, the complement: BRIP1 is on the minus strand). VCF-style: chr17-61743070-G-C. GRCh37 (hg19) VCF-style: chr17-59820431-G-C.
Other names: short protein forms D774E.
Identifiers: ClinVar variation 3261797 (VCV003261797.1).
Genomic context (GRCh38, chr17:61,743,070, plus strand): 5'-TACCTGTAGATCTTTCACATTTGGAAAAGGAATTCCTATTGTTATGACAGCACGGGCATT[G>C]TCATCTGAGAAATCCAGACCCTCACTCACTTTACCACGACAAACTGCTACCAGGAGAGCT-3'
Protein context (NP_114432.2, residues 764-784): KVSEGLDFSD[Asp774Glu]NARAVITIGI

ClinVar aggregate classification (germline): Uncertain significance (1 of 4 stars; one submission).

Conditions:
Hereditary cancer-predisposing syndrome. Also called: Hereditary Cancer Syndrome; Tumor predisposition; Hereditary neoplastic syndrome; Neoplastic Syndromes, Hereditary. Identifiers: Orphanet 140162, MedGen C0027672, MeSH D009386, MONDO:0015356.

Submission:

Ambry Genetics
Classification: Uncertain significance for Hereditary cancer-predisposing syndrome. Last evaluated: 2024-03-18. Review status: criteria provided, single submitter. Criteria: Ambry Variant Classification Scheme 2023. Collection method: clinical testing. Allele origin: germline.
Comment: The p.D774E variant (also known as c.2322C>G), located in coding exon 15 of the BRIP1 gene, results from a C to G substitution at nucleotide position 2322. The aspartic acid at codon 774 is replaced by glutamic acid, an amino acid with highly similar properties. This amino acid position is conserved. In addition, this alteration is predicted to be tolerated by in silico analysis. Based on the available evidence, the clinical significance of this alteration remains unclear.